The following is an entry in ClinVar:

ClinVar aggregate classification (germline): Likely benign (0 of 4 stars; one submission).

Conditions:
TENM1-related disorder. Also called: TENM1-related condition.

Allele frequency attached by ClinVar (database versions not stated): gnomAD exomes below 0.00001.
gnomAD v4.1: 1 of 1,210,873 alleles (0.000083%); highest among the groups gnomAD compares: South Asian, 0.0018%; no homozygotes.

Submission:

PreventionGenetics, part of Exact Sciences
Classification: Likely benign for TENM1-related condition. Last evaluated: 2019-03-20. Review status: no assertion criteria provided. Collection method: clinical testing. Allele origin: germline.
Comment: This variant is classified as likely benign based on ACMG/AMP sequence variant interpretation guidelines (Richards et al. 2015 PMID: 25741868, with internal and published modifications).

NM_001163278.2(TENM1):c.3219C>T (p.Ala1073=)

Gene: TENM1 (teneurin transmembrane protein 1; minus strand). Cytogenetic location: Xq25.
Variant type: single nucleotide variant.
Coding change: c.3219C>T on transcript NM_001163278.2 (MANE Select); coding-DNA position 3219, C replaced by T.
Protein change: p.Ala1073=; no amino-acid change (alanine 1073 retained).
Molecular consequence: synonymous variant.
Genome position (GRCh38, 1-based): chrX:124,520,599, G>A on the plus strand (C>T on the coding strand, the complement: TENM1 is on the minus strand). VCF-style: chrX-124520599-G-A. GRCh37 (hg19) VCF-style: chrX-123654449-G-A.
Other names: c.3216C>T, p.Ala1072= (NM_001163279.1); c.3219C>T, p.Ala1073= (NM_014253.3).
Identifiers: ClinVar variation 3033609 (VCV003033609.2), dbSNP rs1052496712, ClinGen allele CA335304746.